The following is an entry in ClinVar:

NM_001093.4(ACACB):c.6799C>T (p.Leu2267Phe)

Gene: ACACB (acetyl-CoA carboxylase beta; plus strand). Cytogenetic location: 12q24.11.
Variant type: single nucleotide variant.
Coding change: c.6799C>T on transcript NM_001093.4 (MANE Select); coding-DNA position 6799, C replaced by T.
Protein change: p.Leu2267Phe; replaces leucine 2267 with phenylalanine.
Molecular consequence: missense variant.
Genome position (GRCh38, 1-based): chr12:109,264,243, C>T. VCF-style: chr12-109264243-C-T. GRCh37 (hg19) VCF-style: chr12-109702048-C-T.
Other names: c.6799C>T, p.Leu2267Phe (NM_001412734.1, NM_001412735.1); c.6193C>T, p.Leu2065Phe (NM_001412736.1); c.6172C>T, p.Leu2058Phe (NM_001412737.1); c.6004C>T, p.Leu2002Phe (NM_001412738.1); short protein forms L2065F, L2267F, L2058F, L2002F.
Identifiers: ClinVar variation 2351354 (VCV002351354.4), dbSNP rs754010885, ClinGen allele CA6775236.

ClinVar aggregate classification (germline): Uncertain significance. Review status: criteria provided, multiple submitters, no conflicts (2 of 4 stars). 2 submissions from 2 submitters: Uncertain significance (2). Last evaluated 2025-04-09.

Conditions:
ACACB-related disorder. Also called: ACACB-related condition.

Allele frequency attached by ClinVar (database versions not stated): gnomAD 0.00001; ExAC 0.00002; gnomAD exomes 0.00002; TOPMed 0.00004.
gnomAD v4.1: 30 of 1,613,988 alleles (0.0019%); highest among the groups gnomAD compares: Admixed American, 0.043%; no homozygotes.

Submissions (2):

Ambry Genetics
Classification: Uncertain significance. Last evaluated: 2025-04-09. Review status: criteria provided, single submitter. Criteria: Ambry Variant Classification Scheme 2023. Collection method: clinical testing. Allele origin: germline.

PreventionGenetics, part of Exact Sciences
Classification: Uncertain significance for ACACB-related condition. Last evaluated: 2024-10-18. Review status: criteria provided, single submitter. Criteria: ACMG Guidelines, 2015. Collection method: clinical testing. Allele origin: germline.
Comment: The ACACB c.6799C>T variant is predicted to result in the amino acid substitution p.Leu2267Phe. To our knowledge, this variant has not been reported in the literature. This variant is reported in 0.049% of alleles in individuals of Latino descent in gnomAD. At this time, the clinical significance of this variant is uncertain due to the absence of conclusive functional and genetic evidence.